The following is an entry in ClinVar:

NM_033380.3(COL4A5):c.2323G>A (p.Gly775Ser)

Gene: COL4A5 (collagen type IV alpha 5 chain; plus strand). Cytogenetic location: Xq22.3.
Variant type: single nucleotide variant.
Coding change: c.2323G>A on transcript NM_033380.3 (MANE Select); coding-DNA position 2323, G replaced by A.
Protein change: p.Gly775Ser; replaces glycine 775 with serine.
Molecular consequence: missense variant.
Genome position (GRCh38, 1-based): chrX:108,606,820, G>A. VCF-style: chrX-108606820-G-A. GRCh37 (hg19) VCF-style: chrX-107850050-G-A.
Other names: c.2323G>A, p.Gly775Ser (NM_000495.5); c.2323G>A (NM_000495.4); short protein forms G775S.
Identifiers: ClinVar variation 3597924 (VCV003597924.2).

ClinVar aggregate classification (germline): Pathogenic/Likely pathogenic. Review status: criteria provided, multiple submitters, no conflicts (2 of 4 stars). 2 submissions from 2 submitters: Pathogenic (1); Likely pathogenic (1). Last evaluated 2025-10-03.

Conditions:
X-linked Alport syndrome (ATS1). Also called: COL4A5-Related Nephropathy; NEPHROPATHY AND DEAFNESS, X-LINKED. Identifiers: Orphanet 63, Orphanet 88917, MedGen C4746986, MONDO:0010520, OMIM 301050.

Submissions (2):

Natera, Inc.
Classification: Likely pathogenic for X-linked Alport syndrome. Last evaluated: 2025-10-03. Review status: criteria provided, single submitter. Criteria: Natera Variant Classification Schema (03/2026). Collection method: clinical testing. Allele origin: germline.
Comment: The c.2323G>A variant in COL4A5 is a missense variant predicted to cause substitution of glycine to serine at amino acid 775. This variant is rare in the general population with a frequency below the threshold expected for the associated phenotype(s). This variant has been observed in affected individual(s) with monoallelic occurrence (heterozygous/hemizygous) (PMID: 37217505, 37097554). This variant is located in a functionally critical region of the protein. Computational prediction algorithms indicate this variant is likely to affect gene or protein function. Given the available evidence, this variant is classified as Likely Pathogenic.

Fulgent Genetics
Classification: Pathogenic for X-linked Alport syndrome. Last evaluated: 2024-05-11. Review status: criteria provided, single submitter. Criteria: ACMG Guidelines, 2015. Collection method: clinical testing. Allele origin: germline.

Literature cited by the submitters: PubMed 37217505 (cited by Natera, Inc.); PubMed 37097554 (cited by Natera, Inc.).